The following is an entry in ClinVar:

ClinVar aggregate classification (germline): Uncertain significance. Review status: criteria provided, single submitter (1 of 4 stars). 2 submissions from 2 submitters: Uncertain significance (1). 1 of the submissions does not count toward it. Last evaluated 2019-05-23.

Conditions:
Tuberous sclerosis syndrome (TSC). Also called: Tuberous Sclerosis Complex; Tuberous sclerosis. Identifiers: Orphanet 805, MedGen C0041341, MONDO:0001734.

Submissions (2):

GeneDx
Classification: Uncertain significance. Last evaluated: 2019-05-23. Review status: criteria provided, single submitter. Criteria: GeneDx Variant Classification Process June 2021. Collection method: clinical testing. Allele origin: germline. Affected: yes.
Comment: Reported previously in an individual with a clinical diagnosis of TSC who also harbored a missense variant in the TSC1 gene. Information about parental testing was not provided (Yamamoto et al., 2002); In silico analysis, which includes protein predictors and evolutionary conservation, supports a deleterious effect; Not observed in large population cohorts (Lek et al., 2016); This variant is associated with the following publications: (PMID: 14756965, 12015165)

Tuberous sclerosis database (TSC2)
No classification provided. Condition: TSC. Review status: no classification provided. Criteria: Tuberous Sclerosis Database Assertion Criteria 2015. Collection method: curation. Allele origin: germline. Affected: yes. Not counted in ClinVar's aggregate classification.

NM_000548.5(TSC2):c.1034T>G (p.Leu345Arg)

Gene: TSC2 (TSC complex subunit 2; plus strand). Cytogenetic location: 16p13.3.
Variant type: single nucleotide variant.
Coding change: c.1034T>G on transcript NM_000548.5 (MANE Select); coding-DNA position 1034, T replaced by G.
Protein change: p.Leu345Arg; replaces leucine 345 with arginine.
Molecular consequence: missense variant.
Genome position (GRCh38, 1-based): chr16:2,060,728, T>G. VCF-style: chr16-2060728-T-G. GRCh37 (hg19) VCF-style: chr16-2110729-T-G.
Other names: c.1034T>G, p.Leu345Arg (NM_001077183.3, NM_001114382.3, NM_001363528.2 and 3 more transcripts); c.923T>G, p.Leu308Arg (NM_001318827.2); c.887T>G, p.Leu296Arg (NM_001318829.2); c.434T>G, p.Leu145Arg (NM_001318831.2); c.1067T>G, p.Leu356Arg (NM_001318832.2); short protein forms L345R, L145R, L296R, L356R, L308R.
Identifiers: ClinVar variation 49138 (VCV000049138.4), dbSNP rs45451295, ClinGen allele CA013626.